The following is an entry in ClinVar:

NM_005633.4(SOS1):c.3303T>C (p.Val1101=)

Gene: SOS1 (SOS Ras/Rac guanine nucleotide exchange factor 1; minus strand). Cytogenetic location: 2p22.1.
Variant type: single nucleotide variant.
Coding change: c.3303T>C on transcript NM_005633.4 (MANE Select); coding-DNA position 3303, T replaced by C.
Protein change: p.Val1101=; no amino-acid change (valine 1101 retained).
Molecular consequence: synonymous variant.
Genome position (GRCh38, 1-based): chr2:38,995,166, A>G on the plus strand (T>C on the coding strand, the complement: SOS1 is on the minus strand). VCF-style: chr2-38995166-A-G. GRCh37 (hg19) VCF-style: chr2-39222307-A-G.
Other names: c.3282T>C, p.Val1094= (NM_001382394.1); c.3303T>C, p.Val1101= (NM_001382395.1).
Identifiers: ClinVar variation 45359 (VCV000045359.31), dbSNP rs397517165, ClinGen allele CA136132.

ClinVar aggregate classification (germline): Likely benign. Review status: criteria provided, multiple submitters, no conflicts (2 of 4 stars). 4 submissions from 4 submitters: Likely benign (4). Last evaluated 2025-10-02.

Conditions:
Cardiovascular phenotype. Identifiers: MedGen CN230736.
RASopathy. Also called: rasopathies; Noonan spectrum disorder. Identifiers: Orphanet 536391, MedGen C5555857, MONDO:0021060.

Allele frequency attached by ClinVar (database versions not stated): gnomAD 0.00001; TOPMed 0.00002.
gnomAD v4.1: 2 of 1,613,942 alleles (0.00012%); highest among the groups gnomAD compares: African/African-American, 0.0013%; no homozygotes.

Submissions (4):

Labcorp Genetics (formerly Invitae), Labcorp
Classification: Likely benign for RASopathy. Last evaluated: 2025-10-02. Review status: criteria provided, single submitter. Criteria: Invitae Variant Classification Sherloc (09022015). Collection method: clinical testing. Allele origin: germline.

CeGaT Center for Human Genetics Tuebingen
Classification: Likely benign. Last evaluated: 2024-01-01. Review status: criteria provided, single submitter. Criteria: CeGaT Center For Human Genetics Tuebingen Variant Classification Criteria Version 2. Collection method: clinical testing. Allele origin: germline. Affected: yes. Observed: 1 variant allele.
Comment: SOS1: BP4, BP7

Ambry Genetics
Classification: Likely benign for Cardiovascular phenotype. Last evaluated: 2023-05-30. Review status: criteria provided, single submitter. Criteria: Ambry Variant Classification Scheme 2023. Collection method: clinical testing. Allele origin: germline.

Laboratory for Molecular Medicine, Mass General Brigham Personalized Medicine
Classification: Likely benign. Last evaluated: 2011-02-18. Review status: criteria provided, single submitter. Criteria: LMM Criteria. Collection method: clinical testing. Allele origin: germline. Observed: 1 variant allele.
Comment: This variant is not expected to have clinical significance because it does not a lter an amino acid residue and is not located near a splice junction.